The following is an entry in ClinVar:

NM_004055.5(CAPN5):c.67A>T (p.Arg23Trp)

Gene: CAPN5 (calpain 5; plus strand). Cytogenetic location: 11q13.5.
Variant type: single nucleotide variant.
Coding change: c.67A>T on transcript NM_004055.5 (MANE Select); coding-DNA position 67, A replaced by T.
Protein change: p.Arg23Trp; replaces arginine 23 with tryptophan.
Molecular consequence: missense variant.
Genome position (GRCh38, 1-based): chr11:77,084,953, A>T. VCF-style: chr11-77084953-A-T. GRCh37 (hg19) VCF-style: chr11-76795999-A-T.
Other names: short protein forms R23W.
Identifiers: ClinVar variation 957520 (VCV000957520.9), dbSNP rs369938944, ClinGen allele CA6196090.

ClinVar aggregate classification (germline): Uncertain significance (1 of 4 stars; one submission).

Allele frequency attached by ClinVar (database versions not stated): gnomAD exomes below 0.00001; TOPMed 0.00002; ESP Exome Variant Server 0.00008.
gnomAD v4.1: 5 of 1,613,650 alleles (0.00031%); highest among the groups gnomAD compares: African/African-American, 0.0067%; no homozygotes.

Submission:

Labcorp Genetics (formerly Invitae), Labcorp
Classification: Uncertain significance. Last evaluated: 2020-11-30. Review status: criteria provided, single submitter. Criteria: Invitae Variant Classification Sherloc (09022015). Collection method: clinical testing. Allele origin: germline.
Comment: This sequence change replaces arginine with tryptophan at codon 23 of the CAPN5 protein (p.Arg23Trp). The arginine residue is moderately conserved and there is a moderate physicochemical difference between arginine and tryptophan. This variant is present in population databases (rs369938944, ExAC 0.02%). This variant has not been reported in the literature in individuals with CAPN5-related conditions. Algorithms developed to predict the effect of missense changes on protein structure and function are either unavailable or do not agree on the potential impact of this missense change (SIFT: "Deleterious"; PolyPhen-2: "Possibly Damaging"; Align-GVGD: "Class C0"). In summary, the available evidence is currently insufficient to determine the role of this variant in disease. Therefore, it has been classified as a Variant of Uncertain Significance.